The following is an entry in ClinVar:

NM_014314.4(RIGI):c.401A>G (p.Gln134Arg)

Gene: RIGI (RNA sensor RIG-I; minus strand). Cytogenetic location: 9p21.1.
Variant type: single nucleotide variant.
Coding change: c.401A>G on transcript NM_014314.4 (MANE Select); coding-DNA position 401, A replaced by G.
Protein change: p.Gln134Arg; replaces glutamine 134 with arginine.
Molecular consequence: missense variant. On other transcripts: 5 prime UTR variant (3).
Genome position (GRCh38, 1-based): chr9:32,493,783, T>C on the plus strand (A>G on the coding strand, the complement: RIGI is on the minus strand). VCF-style: chr9-32493783-T-C. GRCh37 (hg19) VCF-style: chr9-32493781-T-C.
Other names: c.401A>G, p.Gln134Arg (NM_001385907.1, NM_001385909.1, NM_001385913.1); c.-54A>G (NM_001385910.1, NM_001385914.1); c.-61A>G (NM_001385912.1); short protein forms Q134R.
Identifiers: ClinVar variation 2818563 (VCV002818563.3), dbSNP rs1824174410, ClinGen allele CA373164459.

ClinVar aggregate classification (germline): Uncertain significance (1 of 4 stars; one submission).

Allele frequency attached by ClinVar (database versions not stated): gnomAD exomes below 0.00001; TOPMed below 0.00001.
gnomAD v4.1: 2 of 1,587,136 alleles (0.00013%); highest among the groups gnomAD compares: South Asian, 0.0023%; no homozygotes.

Submission:

Labcorp Genetics (formerly Invitae), Labcorp
Classification: Uncertain significance. Last evaluated: 2023-10-27. Review status: criteria provided, single submitter. Criteria: Invitae Variant Classification Sherloc (09022015). Collection method: clinical testing. Allele origin: germline.
Comment: This sequence change replaces glutamine, which is neutral and polar, with arginine, which is basic and polar, at codon 134 of the DDX58 protein (p.Gln134Arg). This variant is not present in population databases (gnomAD no frequency). This variant has not been reported in the literature in individuals affected with DDX58-related conditions. An algorithm developed to predict the effect of missense changes on protein structure and function (PolyPhen-2) suggests that this variant is likely to be tolerated. In summary, the available evidence is currently insufficient to determine the role of this variant in disease. Therefore, it has been classified as a Variant of Uncertain Significance.